The following is an entry in ClinVar:

ClinVar aggregate classification (germline): Likely benign (1 of 4 stars; one submission).

Conditions:
Noonan syndrome 6 (NS6). Also called: NRAS-Related Noonan Syndrome. Identifiers: Orphanet 648, MedGen C2750732, MONDO:0013186, OMIM 613224.

Allele frequency attached by ClinVar (database versions not stated): TOPMed 0.00118; gnomAD 0.00120 and 0.00124; 1000 Genomes Project 30x 0.00172; 1000 Genomes Project 0.00180.
gnomAD v4.1: 180 of 152,346 alleles (0.12%); highest among the groups gnomAD compares: African/African-American, 0.42%; 4 homozygotes.

Submission:

Illumina Laboratory Services, Illumina
Classification: Likely benign for Noonan syndrome 6. Last evaluated: 2018-01-13. Review status: criteria provided, single submitter. Criteria: ICSL Variant Classification Criteria 13 December 2019. Collection method: clinical testing. Allele origin: germline.
Comment: This variant was observed in the ICSL laboratory as part of a predisposition screen in an ostensibly healthy population. It had not been previously curated by ICSL or reported in the Human Gene Mutation Database (HGMD: prior to June 1st, 2018), and was therefore a candidate for classification through an automated scoring system. Utilizing variant allele frequency, disease prevalence and penetrance estimates, and inheritance mode, an automated score was calculated to assess if this variant is too frequent to cause the disease. Based on the score and internal cut-off values, a variant classified as likely benign is not then subjected to further curation. The score for this variant resulted in a classification of likely benign for this disease.

NM_002524.5(NRAS):c.*3306A>G

Gene: NRAS (NRAS proto-oncogene, GTPase; minus strand). Cytogenetic location: 1p13.2.
Variant type: single nucleotide variant.
Coding change: c.*3306A>G on transcript NM_002524.5 (MANE Select); 3306 bases downstream of the stop codon, A replaced by G.
Molecular consequence: 3 prime UTR variant.
Genome position (GRCh38, 1-based): chr1:114,704,788, T>C on the plus strand (A>G on the coding strand, the complement: NRAS is on the minus strand). VCF-style: chr1-114704788-T-C. GRCh37 (hg19) VCF-style: chr1-115247409-T-C.
Identifiers: ClinVar variation 876281 (VCV000876281.4), dbSNP rs189738278, ClinGen allele CA29039552.
Genomic context (GRCh38, chr1:114,704,788, plus strand): 5'-CCAGAGCAGAGTTCATACAATTCCATCTTAGGTCAGTACTCAGGCTTTTAAAAATCATCT[T>C]ACGTTTTGAAATATAATACAACTACTCTGGTAACAAGAATACTTTTAAAACAATTCTTAT-3'